The following is an entry in ClinVar:

ClinVar aggregate classification (germline): Benign. Review status: criteria provided, multiple submitters, no conflicts (2 of 4 stars). 2 submissions from 2 submitters: Benign (2). Last evaluated 2018-06-19.

Allele frequency attached by ClinVar (database versions not stated): 1000 Genomes Project 0.05132; 1000 Genomes Project 30x 0.05215; TOPMed 0.06359; gnomAD 0.06887.
gnomAD v4.1: 83,054 of 1,458,204 alleles (5.7%); highest among the groups gnomAD compares: African/African-American, 9.8%; 2,554 homozygotes.

Submissions (2):

GeneDx
Classification: Benign. Last evaluated: 2018-06-19. Review status: criteria provided, single submitter. Criteria: GeneDx Variant Classification (06012015). Collection method: clinical testing. Allele origin: germline. Affected: yes.
Comment: This variant is considered likely benign or benign based on one or more of the following criteria: it is a conservative change, it occurs at a poorly conserved position in the protein, it is predicted to be benign by multiple in silico algorithms, and/or has population frequency not consistent with disease.

Breakthrough Genomics
Classification: Benign. Review status: criteria provided, single submitter. Criteria: ACMG Guidelines, 2015. Collection method: not provided. Allele origin: germline. Inheritance: Autosomal recessive inheritance. Affected: yes.

NM_001291303.3(FAT4):c.7451-62C>T

Gene: FAT4 (FAT atypical cadherin 4; plus strand). Cytogenetic location: 4q28.1.
Variant type: single nucleotide variant.
Coding change: c.7451-62C>T on transcript NM_001291303.3 (MANE Select); 62 bases into the intron before coding-DNA position 7451, C replaced by T.
Molecular consequence: intron variant.
Genome position (GRCh38, 1-based): chr4:125,448,399, C>T. VCF-style: chr4-125448399-C-T. GRCh37 (hg19) VCF-style: chr4-126369554-C-T.
Other names: c.7451-62C>T (NM_001291285.3); c.7445-62C>T (NM_024582.6).
Identifiers: ClinVar variation 681779 (VCV000681779.2), dbSNP rs115240175, ClinGen allele CA11836198.